The following is an entry in ClinVar:

ClinVar aggregate classification (germline): Uncertain significance (1 of 4 stars; one submission).

Conditions:
Familial hemiplegic migraine. Identifiers: MedGen C0338484, MONDO:0000700.

Allele frequency attached by ClinVar (database versions not stated): gnomAD exomes below 0.00001; ExAC 0.00001; gnomAD 0.00001; TOPMed 0.00001.
gnomAD v4.1: 2 of 1,609,026 alleles (0.00012%); highest among the groups gnomAD compares: African/African-American, 0.0027%; no homozygotes.

Submission:

Labcorp Genetics (formerly Invitae), Labcorp
Classification: Uncertain significance for Familial hemiplegic migraine. Last evaluated: 2022-03-27. Review status: criteria provided, single submitter. Criteria: Invitae Variant Classification Sherloc (09022015). Collection method: clinical testing. Allele origin: germline.
Comment: This sequence change replaces alanine, which is neutral and non-polar, with threonine, which is neutral and polar, at codon 16 of the ATP1A2 protein (p.Ala16Thr). This variant is not present in population databases (gnomAD no frequency). This variant has not been reported in the literature in individuals affected with ATP1A2-related conditions. Advanced modeling of protein sequence and biophysical properties (such as structural, functional, and spatial information, amino acid conservation, physicochemical variation, residue mobility, and thermodynamic stability) performed at Invitae indicates that this missense variant is not expected to disrupt ATP1A2 protein function. In summary, the available evidence is currently insufficient to determine the role of this variant in disease. Therefore, it has been classified as a Variant of Uncertain Significance.

NM_000702.4(ATP1A2):c.46G>A (p.Ala16Thr)

Gene: ATP1A2 (ATPase Na+/K+ transporting subunit alpha 2; plus strand). Cytogenetic location: 1q23.2.
Variant type: single nucleotide variant.
Coding change: c.46G>A on transcript NM_000702.4 (MANE Select); coding-DNA position 46, G replaced by A.
Protein change: p.Ala16Thr; replaces alanine 16 with threonine.
Molecular consequence: missense variant.
Genome position (GRCh38, 1-based): chr1:160,120,939, G>A. VCF-style: chr1-160120939-G-A. GRCh37 (hg19) VCF-style: chr1-160090729-G-A.
Other names: short protein forms A16T.
Identifiers: ClinVar variation 2420169 (VCV002420169.6), dbSNP rs754418656, ClinGen allele CA1194080.